The following is an entry in ClinVar:

NM_001384140.1(PCDH15):c.2221-2A>G

Gene: PCDH15 (protocadherin related 15; minus strand). Cytogenetic location: 10q21.1.
Variant type: single nucleotide variant.
Coding change: c.2221-2A>G on transcript NM_001384140.1 (MANE Select); the canonical splice acceptor site of the intron before coding-DNA position 2221, A replaced by G.
Molecular consequence: splice acceptor variant.
Genome position (GRCh38, 1-based): chr10:54,023,199, T>C on the plus strand (A>G on the coding strand, the complement: PCDH15 is on the minus strand). VCF-style: chr10-54023199-T-C. GRCh37 (hg19) VCF-style: chr10-55782959-T-C.
Other names: c.2257-2A>G (NM_001142769.3); c.2155-2A>G (NM_001354404.2, NM_001142773.2, NM_001142768.2); c.2110-2A>G (NM_001142767.2); c.2008-2A>G (NM_001142765.2); c.2221-2A>G (NM_001142766.2, NM_033056.4, NM_001142764.2 and 5 more transcripts); c.2236-2A>G (NM_001142763.2, NM_001142771.2); c.2242-2A>G (NM_001354411.2).
Identifiers: ClinVar variation 4774099 (VCV004774099.1).

ClinVar aggregate classification (germline): Likely pathogenic (1 of 4 stars; one submission).

gnomAD v4.1: 6 of 1,612,426 alleles (0.00037%); highest among the groups gnomAD compares: Non-Finnish European, 0.00042%; no homozygotes.

Submission:

Labcorp Genetics (formerly Invitae), Labcorp
Classification: Likely pathogenic. Last evaluated: 2025-10-26. Review status: criteria provided, single submitter. Criteria: Invitae Variant Classification Sherloc (09022015). Collection method: clinical testing. Allele origin: germline.
Comment: This sequence change affects an acceptor splice site in intron 18 of the PCDH15 gene. It is expected to disrupt RNA splicing. Variants that disrupt the donor or acceptor splice site typically lead to a loss of protein function (PMID: 16199547), and loss-of-function variants in PCDH15 are known to be pathogenic (PMID: 11398101, 11487575, 14570705). The frequency data for this variant in the population databases is considered unreliable, as metrics indicate poor data quality at this position in the gnomAD database. This variant has not been reported in the literature in individuals affected with PCDH15-related conditions. Algorithms developed to predict the effect of sequence changes on RNA splicing suggest that this variant may disrupt the consensus splice site. In summary, the currently available evidence indicates that the variant is pathogenic, but additional data are needed to prove that conclusively. Therefore, this variant has been classified as Likely Pathogenic.

Literature cited by the submitters: PubMed 16199547; PubMed 11398101; PubMed 11487575; PubMed 14570705.